The following is an entry in ClinVar:

NM_002381.5(MATN3):c.1072G>A (p.Gly358Arg)

Genes: MATN3 (matrilin 3; minus strand), WDR35-DT (WDR35 divergent transcript; plus strand). Cytogenetic location: 2p24.1.
Variant type: single nucleotide variant.
Coding change: c.1072G>A on transcript NM_002381.5 (MANE Select); coding-DNA position 1072, G replaced by A.
Protein change: p.Gly358Arg; replaces glycine 358 with arginine.
Molecular consequence: missense variant.
Genome position (GRCh38, 1-based): chr2:20,000,537, C>T on the plus strand (G>A on the coding strand, the complement: MATN3 is on the minus strand). VCF-style: chr2-20000537-C-T. GRCh37 (hg19) VCF-style: chr2-20200298-C-T.
Other names: short protein forms G358R.
Identifiers: ClinVar variation 2984011 (VCV002984011.3), dbSNP rs1185587845, ClinGen allele CA345949675.

ClinVar aggregate classification (germline): Uncertain significance (1 of 4 stars; one submission).

Allele frequency attached by ClinVar (database versions not stated): TOPMed below 0.00001.

Submission:

Labcorp Genetics (formerly Invitae), Labcorp
Classification: Uncertain significance. Last evaluated: 2024-01-01. Review status: criteria provided, single submitter. Criteria: Invitae Variant Classification Sherloc (09022015). Collection method: clinical testing. Allele origin: germline.
Comment: This sequence change replaces glycine, which is neutral and non-polar, with arginine, which is basic and polar, at codon 358 of the MATN3 protein (p.Gly358Arg). This variant is present in population databases (no rsID available, gnomAD 0.0009%). This variant has not been reported in the literature in individuals affected with MATN3-related conditions. Advanced modeling of protein sequence and biophysical properties (such as structural, functional, and spatial information, amino acid conservation, physicochemical variation, residue mobility, and thermodynamic stability) performed at Invitae indicates that this missense variant is not expected to disrupt MATN3 protein function with a negative predictive value of 80%. In summary, the available evidence is currently insufficient to determine the role of this variant in disease. Therefore, it has been classified as a Variant of Uncertain Significance.